The following is an entry in ClinVar:

NM_000443.4(ABCB4):c.2478+40A>G

Gene: ABCB4 (ATP binding cassette subfamily B member 4; minus strand). Cytogenetic location: 7q21.12.
Variant type: single nucleotide variant.
Coding change: c.2478+40A>G on transcript NM_000443.4 (MANE Select); 40 bases into the intron after coding-DNA position 2478, A replaced by G.
Molecular consequence: intron variant.
Genome position (GRCh38, 1-based): chr7:87,418,497, T>C on the plus strand (A>G on the coding strand, the complement: ABCB4 is on the minus strand). VCF-style: chr7-87418497-T-C. GRCh37 (hg19) VCF-style: chr7-87047813-T-C.
Other names: c.2478+40A>G (NM_018850.3, NM_018849.3).
Identifiers: ClinVar variation 1292129 (VCV001292129.4), dbSNP rs7788404, ClinGen allele CA4327001.

ClinVar aggregate classification (germline): Benign. Review status: criteria provided, multiple submitters, no conflicts (2 of 4 stars). 3 submissions from 3 submitters: Benign (3). Last evaluated 2026-04-14.

Conditions:
Low phospholipid associated cholelithiasis (GBD1). Also called: Gallstone cholecystitis; Gallbladder disease 1. Identifiers: Orphanet 69663, MedGen C2609268, MONDO:0010939, OMIM 600803.
Familial intrahepatic cholestasis. Identifiers: Orphanet 284385, MedGen CN296401, MONDO:0017290.

Allele frequency attached by ClinVar (database versions not stated): gnomAD exomes 0.08163 and 0.08970; ExAC 0.09383; gnomAD 0.10667 and 0.10700; TOPMed 0.10751; ESP Exome Variant Server 0.11395; 1000 Genomes Project 0.11661; 1000 Genomes Project 30x 0.12133.
gnomAD v4.1: 132,643 of 1,575,716 alleles (8.4%); highest among the groups gnomAD compares: African/African-American, 18%; 6,545 homozygotes.

Submissions (3):

Genomenon, Inc
Classification: Benign for Familial intrahepatic cholestasis; Low phospholipid associated cholelithiasis. Last evaluated: 2026-04-14. Review status: criteria provided, single submitter. Criteria: Genomenon Sequence Variant Interpretation Standards - Updated. Collection method: curation. Allele origin: germline. Affected: no.
Comment: ABCB4 c.2478+40A>G is an intronic variant located in intron 20. This variant is present at high allele frequency in population databases. We classify ABCB4 c.2478+40A>G as a benign variant.

GeneDx
Classification: Benign. Last evaluated: 2018-06-29. Review status: criteria provided, single submitter. Criteria: GeneDx Variant Classification Process June 2021. Collection method: clinical testing. Allele origin: germline. Affected: yes.

Breakthrough Genomics
Classification: Benign. Review status: criteria provided, single submitter. Criteria: ACMG Guidelines, 2015. Collection method: not provided. Allele origin: germline. Inheritance: Autosomal recessive inheritance. Affected: yes.